The following is an entry in ClinVar:

NM_014225.6(PPP2R1A):c.1006G>C (p.Asp336His)

Gene: PPP2R1A (protein phosphatase 2 scaffold subunit Aalpha; plus strand). Cytogenetic location: 19q13.41.
Variant type: single nucleotide variant.
Coding change: c.1006G>C on transcript NM_014225.6 (MANE Select); coding-DNA position 1006, G replaced by C.
Protein change: p.Asp336His; replaces aspartic acid 336 with histidine.
Molecular consequence: missense variant. On other transcripts: non-coding transcript variant (1).
Genome position (GRCh38, 1-based): chr19:52,216,541, G>C. VCF-style: chr19-52216541-G-C. GRCh37 (hg19) VCF-style: chr19-52719794-G-C.
Other names: c.469G>C, p.Asp157His (NM_001363656.2); short protein forms D157H, D336H.
Identifiers: ClinVar variation 4277259 (VCV004277259.1).

ClinVar aggregate classification (germline): Uncertain significance (1 of 4 stars; one submission).

Conditions:
Houge-Janssens syndrome 2. Also called: Microcephaly-corpus callosum hypoplasia-intellectual disability-facial dysmorphism syndrome; INTELLECTUAL DEVELOPMENTAL DISORDER, AUTOSOMAL DOMINANT 36; PPP2R1A-Related Neurodevelopmental Disorder. Identifiers: Orphanet 457284, MedGen C4225352, MONDO:0014605, OMIM 616362.

Submission:

MVZ Medizinische Genetik Mainz
Classification: Uncertain significance for Houge-Janssens syndrome 2. Last evaluated: 2025-09-23. Review status: criteria provided, single submitter. Criteria: UK Practice Guidelines For Variant Classification V4 01 2020. Collection method: clinical testing. Allele origin: germline. Inheritance: Autosomal dominant inheritance. Affected: yes. Observed: 1 variant allele.
Comment: ACMG Criteria: PM2_SUP,PP2